The following is an entry in ClinVar:

ClinVar aggregate classification (germline): Pathogenic (1 of 4 stars; one submission).

Conditions:
Primary ciliary dyskinesia. Also called: Ciliary dyskinesia. Identifiers: Orphanet 244, MedGen C0008780, MONDO:0016575, HP:0012265.

Submission:

Labcorp Genetics (formerly Invitae), Labcorp
Classification: Pathogenic for Primary ciliary dyskinesia. Last evaluated: 2024-02-19. Review status: criteria provided, single submitter. Criteria: Invitae Variant Classification Sherloc (09022015). Collection method: clinical testing. Allele origin: germline.
Comment: This sequence change creates a premature translational stop signal (p.Phe2789Cysfs*2) in the DNAH11 gene. It is expected to result in an absent or disrupted protein product. Loss-of-function variants in DNAH11 are known to be pathogenic (PMID: 18022865, 20513915, 22184204). This variant is not present in population databases (gnomAD no frequency). This variant has not been reported in the literature in individuals affected with DNAH11-related conditions. For these reasons, this variant has been classified as Pathogenic.

Literature cited by the submitters: PubMed 18022865; PubMed 20513915; PubMed 22184204.

NM_001277115.2(DNAH11):c.8366_8367del (p.Phe2789fs)

Gene: DNAH11 (dynein axonemal heavy chain 11; plus strand). Cytogenetic location: 7p15.3.
Variant type: Deletion.
Coding change: c.8366_8367del on transcript NM_001277115.2 (MANE Select); coding-DNA positions 8366 to 8367, 2 bases deleted (TT; older notation c.8366_8367delTT).
Protein change: p.Phe2789fs; shifts the reading frame from phenylalanine 2789.
Molecular consequence: frameshift variant.
Genome position (GRCh38, 1-based): chr7:21,744,919-21,744,920, TT deleted; deleting any 2 consecutive bases within chr7:21,744,918-21,744,920 gives the same sequence; the c. name uses the placement nearest the transcript's 3' end. VCF-style (leftmost placement, unchanged base first): chr7-21744917-CTT-C. GRCh37 (hg19) VCF-style: chr7-21784535-CTT-C.
Other names: short protein forms F2789fs.
Identifiers: ClinVar variation 3642058 (VCV003642058.2).